The following is an entry in ClinVar:

ClinVar aggregate classification (germline): Uncertain significance (1 of 4 stars; one submission).

Conditions:
Hereditary cancer-predisposing syndrome. Also called: Tumor predisposition; Hereditary Cancer Syndrome; Hereditary neoplastic syndrome; Neoplastic Syndromes, Hereditary. Identifiers: Orphanet 140162, MedGen C0027672, MeSH D009386, MONDO:0015356.

Submission:

Ambry Genetics
Classification: Uncertain significance for Hereditary cancer-predisposing syndrome. Last evaluated: 2025-10-22. Review status: criteria provided, single submitter. Criteria: Ambry Variant Classification Scheme 2023. Collection method: clinical testing. Allele origin: germline.
Comment: The p.G1146A variant (also known as c.3437G>C), located in coding exon 24 of the SMARCA4 gene, results from a G to C substitution at nucleotide position 3437. The glycine at codon 1146 is replaced by alanine, an amino acid with similar properties. This amino acid position is conserved. In addition, this alteration is predicted to be tolerated by in silico analysis. Based on the available evidence, the clinical significance of this variant remains unclear.

NM_003072.5(SMARCA4):c.3437G>C (p.Gly1146Ala)

Gene: SMARCA4 (SWI/SNF related BAF chromatin remodeling complex subunit ATPase 4; plus strand). Cytogenetic location: 19p13.2.
Variant type: single nucleotide variant.
Coding change: c.3437G>C on transcript NM_003072.5 (MANE Select); coding-DNA position 3437, G replaced by C.
Protein change: p.Gly1146Ala; replaces glycine 1146 with alanine.
Molecular consequence: missense variant. On other transcripts: non-coding transcript variant (1).
Genome position (GRCh38, 1-based): chr19:11,030,784, G>C. VCF-style: chr19-11030784-G-C. GRCh37 (hg19) VCF-style: chr19-11141460-G-C.
Other names: c.3437G>C, p.Gly1146Ala (NM_001128844.3, NM_001128845.2, NM_001128846.2 and 6 more transcripts); short protein forms G1146A.
Identifiers: ClinVar variation 4549509 (VCV004549509.1).